The following is an entry in ClinVar:

ClinVar aggregate classification (germline): Uncertain significance. Review status: criteria provided, multiple submitters, no conflicts (2 of 4 stars). 3 submissions from 3 submitters: Uncertain significance (3). Last evaluated 2025-07-13.

Conditions:
COL12A1-related disorder. Also called: COL12A1-related condition.
Ullrich congenital muscular dystrophy 2 (UCMD2). Identifiers: Orphanet 75840, MedGen C4225314, MONDO:0014654, OMIM 616470.
Bethlem myopathy 2 (BTHLM2). Identifiers: Orphanet 536516, Orphanet 610, MedGen C4225313, MONDO:0034022, OMIM 616471.

Allele frequency attached by ClinVar (database versions not stated): gnomAD exomes 0.00001 and below 0.00001.
gnomAD v4.1: 19 of 1,611,360 alleles (0.0012%); highest among the groups gnomAD compares: Non-Finnish European, 0.0014%; no homozygotes.

Submissions (3):

Labcorp Genetics (formerly Invitae), Labcorp
Classification: Uncertain significance for Bethlem myopathy 2; Ullrich congenital muscular dystrophy 2. Last evaluated: 2025-07-13. Review status: criteria provided, single submitter. Criteria: Invitae Variant Classification Sherloc (09022015). Collection method: clinical testing. Allele origin: germline.
Comment: This sequence change replaces glutamic acid, which is acidic and polar, with alanine, which is neutral and non-polar, at codon 89 of the COL12A1 protein (p.Glu89Ala). This variant is present in population databases (no rsID available, gnomAD 0.0009%). This variant has not been reported in the literature in individuals affected with COL12A1-related conditions. ClinVar contains an entry for this variant (Variation ID: 450624). Invitae Evidence Modeling of protein sequence and biophysical properties (such as structural, functional, and spatial information, amino acid conservation, physicochemical variation, residue mobility, and thermodynamic stability) indicates that this missense variant is not expected to disrupt COL12A1 protein function with a negative predictive value of 80%. In summary, the available evidence is currently insufficient to determine the role of this variant in disease. Therefore, it has been classified as a Variant of Uncertain Significance.

PreventionGenetics, part of Exact Sciences
Classification: Uncertain significance for COL12A1-related condition. Last evaluated: 2023-02-10. Review status: criteria provided, single submitter. Criteria: ACMG Guidelines, 2015. Collection method: clinical testing. Allele origin: germline.
Comment: The COL12A1 c.266A>C variant is predicted to result in the amino acid substitution p.Glu89Ala. To our knowledge, this variant has not been reported in the literature. This variant is reported in 0.00089% of alleles in individuals of European (Non-Finnish) descent in gnomAD. At this time, the clinical significance of this variant is uncertain due to the absence of conclusive functional and genetic evidence.

GeneDx
Classification: Uncertain significance. Last evaluated: 2017-07-12. Review status: criteria provided, single submitter. Criteria: GeneDx Variant Classification (06012015). Collection method: clinical testing. Allele origin: germline. Affected: yes.
Comment: The E89A variant in the COL12A1 gene has not been reported previously as a pathogenic variant, nor as a benign variant, to our knowledge. This variant is not observed in large population cohorts (Lek et al., 2016; 1000 Genomes Consortium et al., 2015; Exome Variant Server). The E89A variant is a non-conservative amino acid substitution, which is likely to impact secondary protein structure as these residues differ in polarity, charge, size and/or other properties. This substitution occurs at a position that is not conserved. In silico analysis is inconsistent in its predictions as to whether or not the variant is damaging to the protein structure/function. Based on currently available evidence, we interpret E89A as a variant of uncertain significance.

NM_004370.6(COL12A1):c.266A>C (p.Glu89Ala)

Gene: COL12A1 (collagen type XII alpha 1 chain; minus strand). Cytogenetic location: 6q13.
Variant type: single nucleotide variant.
Coding change: c.266A>C on transcript NM_004370.6 (MANE Select); coding-DNA position 266, A replaced by C.
Protein change: p.Glu89Ala; replaces glutamic acid 89 with alanine.
Molecular consequence: missense variant. On other transcripts: intron variant (1).
Genome position (GRCh38, 1-based): chr6:75,192,280, T>G on the plus strand (A>C on the coding strand, the complement: COL12A1 is on the minus strand). VCF-style: chr6-75192280-T-G. GRCh37 (hg19) VCF-style: chr6-75901996-T-G.
Other names: c.73+10440A>C (NM_080645.3); short protein forms E89A.
Identifiers: ClinVar variation 450624 (VCV000450624.13), dbSNP rs1278211393, ClinGen allele CA364731002.